The following is an entry in ClinVar:

NM_002382.5(MAX):c.290A>C (p.Gln97Pro)

Gene: MAX (MYC associated transcriptional regulator X; minus strand). Cytogenetic location: 14q23.3.
Variant type: single nucleotide variant.
Coding change: c.290A>C on transcript NM_002382.5 (MANE Select); coding-DNA position 290, A replaced by C.
Protein change: p.Gln97Pro; replaces glutamine 97 with proline.
Molecular consequence: missense variant. On other transcripts: intron variant (2).
Genome position (GRCh38, 1-based): chr14:65,077,918, T>G on the plus strand (A>C on the coding strand, the complement: MAX is on the minus strand). VCF-style: chr14-65077918-T-G. GRCh37 (hg19) VCF-style: chr14-65544636-T-G.
Other names: c.16A>C, p.Ser6Arg (NM_001407105.1, NM_001407106.1, NM_001407107.1 and 1 more transcripts); c.-78A>C (NM_001407111.1, NM_001407112.1); c.263A>C, p.Gln88Pro (NM_001407110.1, NM_001407108.1, NM_001407109.1 and 6 more transcripts); c.290A>C, p.Gln97Pro (NM_001407094.1, NM_001407096.1, NM_001407097.1 and 3 more transcripts); c.182A>C, p.Gln61Pro (NM_001407098.1); c.144+15790A>C (NM_001271069.2); c.171+15790A>C (NM_197957.4); short protein forms Q61P, Q97P, Q88P, S6R.
Identifiers: ClinVar variation 1797552 (VCV001797552.2), dbSNP rs2139752251, ClinGen allele CA390035310.
Genomic context (GRCh38, chr14:65,077,918, plus strand): 5'-CCTGACCTGGCTGGAGCACAGCAGGGCCAGCTGCCCCACGAGCTCGGGTGCTCACCTTGC[T>G]GCTCCAGAAGAGCATTCTGCCGCTTGAGGTCGTCAATATCTTGCTGGTGTGTGTGGTTTT-3'
Protein context (NP_002373.3, residues 87-107): DLKRQNALLE[Gln97Pro]QVRALEKARS

ClinVar aggregate classification (germline): Uncertain significance (1 of 4 stars; one submission).

Conditions:
Hereditary cancer-predisposing syndrome. Also called: Neoplastic Syndromes, Hereditary; Tumor predisposition; Hereditary Cancer Syndrome; Hereditary neoplastic syndrome. Identifiers: Orphanet 140162, MedGen C0027672, MeSH D009386, MONDO:0015356.

Submission:

Ambry Genetics
Classification: Uncertain significance for Hereditary cancer-predisposing syndrome. Last evaluated: 2022-01-12. Review status: criteria provided, single submitter. Criteria: Ambry Variant Classification Scheme 2023. Collection method: clinical testing. Allele origin: germline.
Comment: The p.Q97P variant (also known as c.290A>C), located in coding exon 4 of the MAX gene, results from an A to C substitution at nucleotide position 290. The glutamine at codon 97 is replaced by proline, an amino acid with similar properties. This amino acid position is highly conserved in available vertebrate species. In addition, this alteration is predicted to be deleterious by in silico analysis. Since supporting evidence is limited at this time, the clinical significance of this alteration remains unclear.